The following is an entry in ClinVar:

NM_004565.3(PEX14):c.188T>C (p.Ile63Thr)

Gene: PEX14 (peroxisomal biogenesis factor 14; plus strand). Cytogenetic location: 1p36.22.
Variant type: single nucleotide variant.
Coding change: c.188T>C on transcript NM_004565.3 (MANE Select); coding-DNA position 188, T replaced by C.
Protein change: p.Ile63Thr; replaces isoleucine 63 with threonine.
Molecular consequence: missense variant.
Genome position (GRCh38, 1-based): chr1:10,599,256, T>C. VCF-style: chr1-10599256-T-C. GRCh37 (hg19) VCF-style: chr1-10659313-T-C.
Other names: c.188T>C (NM_004565.2); short protein forms I63T.
Identifiers: ClinVar variation 1508795 (VCV001508795.8), dbSNP rs762505617, ClinGen allele CA583749.

ClinVar aggregate classification (germline): Uncertain significance. Review status: criteria provided, multiple submitters, no conflicts (2 of 4 stars). 4 submissions from 4 submitters: Uncertain significance (4). Last evaluated 2025-06-17.

Conditions:
Peroxisome biogenesis disorder, complementation group K (CGK). Identifiers: MedGen C1866257, MONDO:0800365.
Inborn genetic diseases. Identifiers: MedGen C0950123, MeSH D030342.
PEX14-related disorder. Also called: PEX14-related condition.

Allele frequency attached by ClinVar (database versions not stated): gnomAD exomes 0.00001; ExAC 0.00002; TOPMed 0.00002.
gnomAD v4.1: 11 of 1,614,186 alleles (0.00068%); highest among the groups gnomAD compares: East Asian, 0.0022%; no homozygotes.

Submissions (4):

PreventionGenetics, part of Exact Sciences
Classification: Uncertain significance for PEX14-related condition. Last evaluated: 2025-06-17. Review status: criteria provided, single submitter. Criteria: ACMG Guidelines, 2015. Collection method: clinical testing. Allele origin: germline.
Comment: The PEX14 c.188T>C variant is predicted to result in the amino acid substitution p.Ile63Thr. To our knowledge, this variant has not been reported in the literature. This variant is reported in 0.0029% of alleles in individuals of Latino descent in gnomAD. At this time, the clinical significance of this variant is uncertain due to the absence of conclusive functional and genetic evidence.

Ambry Genetics
Classification: Uncertain significance for Inborn genetic diseases. Last evaluated: 2025-02-08. Review status: criteria provided, single submitter. Criteria: Ambry Variant Classification Scheme 2023. Collection method: clinical testing. Allele origin: germline.

Labcorp Genetics (formerly Invitae), Labcorp
Classification: Uncertain significance for Peroxisome biogenesis disorder, complementation group K. Last evaluated: 2022-08-09. Review status: criteria provided, single submitter. Criteria: Invitae Variant Classification Sherloc (09022015). Collection method: clinical testing. Allele origin: germline.
Comment: This sequence change replaces isoleucine, which is neutral and non-polar, with threonine, which is neutral and polar, at codon 63 of the PEX14 protein (p.Ile63Thr). This variant is present in population databases (rs762505617, gnomAD 0.003%). This variant has not been reported in the literature in individuals affected with PEX14-related conditions. ClinVar contains an entry for this variant (Variation ID: 1508795). Algorithms developed to predict the effect of missense changes on protein structure and function (SIFT, PolyPhen-2, Align-GVGD) all suggest that this variant is likely to be disruptive. In summary, the available evidence is currently insufficient to determine the role of this variant in disease. Therefore, it has been classified as a Variant of Uncertain Significance.

Breakthrough Genomics
Classification: Uncertain significance. Review status: criteria provided, single submitter. Criteria: ACMG Guidelines, 2015. Collection method: not provided. Allele origin: germline. Inheritance: Autosomal recessive inheritance. Affected: yes.